The following is an entry in ClinVar:

ClinVar aggregate classification (germline): Uncertain significance (1 of 4 stars; one submission).

Conditions:
Charcot-Marie-Tooth disease type 4. Also called: Charcot-Marie-Tooth, Type 4; Charcot-Marie-Tooth disease, type IV. Identifiers: Orphanet 64749, MedGen C4082197, MONDO:0018995.

Allele frequency attached by ClinVar (database versions not stated): gnomAD exomes below 0.00001.
gnomAD v4.1: 1 of 1,613,682 alleles (0.000062%); highest among the groups gnomAD compares: Non-Finnish European, 0.000085%; no homozygotes.

Submission:

Labcorp Genetics (formerly Invitae), Labcorp
Classification: Uncertain significance for Charcot-Marie-Tooth disease type 4. Last evaluated: 2025-02-26. Review status: criteria provided, single submitter. Criteria: Invitae Variant Classification Sherloc (09022015). Collection method: clinical testing. Allele origin: germline.
Comment: This sequence change replaces serine, which is neutral and polar, with asparagine, which is neutral and polar, at codon 455 of the MTMR2 protein (p.Ser455Asn). This variant is not present in population databases (gnomAD no frequency). This variant has not been reported in the literature in individuals affected with MTMR2-related conditions. ClinVar contains an entry for this variant (Variation ID: 575786). Invitae Evidence Modeling of protein sequence and biophysical properties (such as structural, functional, and spatial information, amino acid conservation, physicochemical variation, residue mobility, and thermodynamic stability) has been performed for this missense variant. However, the output from this modeling did not meet the statistical confidence thresholds required to predict the impact of this variant on MTMR2 protein function. In summary, the available evidence is currently insufficient to determine the role of this variant in disease. Therefore, it has been classified as a Variant of Uncertain Significance.

NM_016156.6(MTMR2):c.1364G>A (p.Ser455Asn)

Gene: MTMR2 (myotubularin related protein 2; minus strand). Cytogenetic location: 11q21.
Variant type: single nucleotide variant.
Coding change: c.1364G>A on transcript NM_016156.6 (MANE Select); coding-DNA position 1364, G replaced by A.
Protein change: p.Ser455Asn; replaces serine 455 with asparagine.
Molecular consequence: missense variant.
Genome position (GRCh38, 1-based): chr11:95,844,975, C>T on the plus strand (G>A on the coding strand, the complement: MTMR2 is on the minus strand). VCF-style: chr11-95844975-C-T. GRCh37 (hg19) VCF-style: chr11-95578139-C-T.
Other names: c.1148G>A, p.Ser383Asn (NM_001243571.2, NM_201278.3, NM_201281.3); short protein forms S455N, S383N.
Identifiers: ClinVar variation 575786 (VCV000575786.8), dbSNP rs1565348037, ClinGen allele CA382420294.